The following is an entry in ClinVar:

NM_017646.6(TRIT1):c.1199G>C (p.Cys400Ser)

Gene: TRIT1 (tRNA isopentenyltransferase 1; minus strand). Cytogenetic location: 1p34.2.
Variant type: single nucleotide variant.
Coding change: c.1199G>C on transcript NM_017646.6 (MANE Select); coding-DNA position 1199, G replaced by C.
Protein change: p.Cys400Ser; replaces cysteine 400 with serine.
Molecular consequence: missense variant.
Genome position (GRCh38, 1-based): chr1:39,844,136, C>G on the plus strand (G>C on the coding strand, the complement: TRIT1 is on the minus strand). VCF-style: chr1-39844136-C-G. GRCh37 (hg19) VCF-style: chr1-40309808-C-G.
Other names: c.1121G>C, p.Cys374Ser (NM_001312691.2); c.953G>C, p.Cys318Ser (NM_001312692.2); short protein forms C318S, C374S, C400S.
Identifiers: ClinVar variation 4881644 (VCV004881644.2).
Genomic context (GRCh38, chr1:39,844,136, plus strand): 5'-CTTCATGCCCCTCCCCATACTCTACCTGCCCATTCGCGATCCCCAATGATGATTCGATCA[C>G]AGAGGTCACACAGGTGATAACTTCTCTTGTTCTCAGCTTCATTGTATGGCATCTTTATTG-3'
Protein context (NP_060116.2, residues 390-410): NKRSYHLCDL[Cys400Ser]DRIIIGDREW

ClinVar aggregate classification (germline): Uncertain significance (1 of 4 stars; one submission).

Conditions:
Combined oxidative phosphorylation deficiency 35 (COXPD35). Identifiers: MedGen C4693466, MONDO:0054742, OMIM 617873.

Submission:

Dasa
Classification: Uncertain significance for Combined oxidative phosphorylation deficiency 35. Last evaluated: 2025-12-01. Review status: criteria provided, single submitter. Criteria: DASA Assertion Criteria. Collection method: clinical testing. Allele origin: germline.
Comment: NM_017646.6(TRIT1):c.1199G>C (p.Cys400Ser) is a missense variant that results in the substitution of cysteine with serine. This variant is absent from population databases. The currently available literature and clinical evidence are not sufficient to establish a definitive association between this variant and the reported condition. Therefore, this variant is classified as a variant of uncertain significance.